The following is an entry in ClinVar:

NM_001267550.2(TTN):c.50223C>A (p.Asp16741Glu)

Genes: TTN (titin; minus strand), TTN-AS1 (TTN antisense RNA 1; plus strand). Cytogenetic location: 2q31.2.
Variant type: single nucleotide variant.
Coding change: c.50223C>A on transcript NM_001267550.2 (MANE Select); coding-DNA position 50223, C replaced by A.
Protein change: p.Asp16741Glu; replaces aspartic acid 16741 with glutamic acid.
Molecular consequence: missense variant.
Genome position (GRCh38, 1-based): chr2:178,612,302, G>T on the plus strand (C>A on the coding strand, the complement: TTN is on the minus strand). VCF-style: chr2-178612302-G-T. GRCh37 (hg19) VCF-style: chr2-179477029-G-T.
Other names: c.45300C>A, p.Asp15100Glu (NM_001256850.1); c.23028C>A, p.Asp7676Glu (NM_003319.4); c.42519C>A, p.Asp14173Glu (NM_133378.4); c.23403C>A, p.Asp7801Glu (NM_133432.3); c.23604C>A, p.Asp7868Glu (NM_133437.4); short protein forms D14173E, D15100E, D16741E, D7676E, D7801E, D7868E.
Identifiers: ClinVar variation 4688602 (VCV004688602.1).

ClinVar aggregate classification (germline): Uncertain significance (1 of 4 stars; one submission).

gnomAD v4.1: 5 of 1,612,496 alleles (0.00031%); highest among the groups gnomAD compares: African/African-American, 0.004%; no homozygotes.

Submission:

Women's Health and Genetics/Laboratory Corporation of America, LabCorp
Classification: Uncertain significance. Last evaluated: 2025-12-03. Review status: criteria provided, single submitter. Criteria: LabCorp Variant Classification Summary - May 2015. Collection method: clinical testing. Allele origin: germline.
Comment: Variant summary: TTN c.42519C>A (p.Asp14173Glu) results in a conservative amino acid change in the encoded protein sequence. Algorithms developed to predict the effect of missense changes on protein structure and function are either unavailable or do not agree on the potential impact of this missense change. The variant was absent in 247768 control chromosomes. The available data on variant occurrences in the general population are insufficient to allow any conclusion about variant significance. To our knowledge, no occurrence of c.42519C>A in individuals affected with TTN-related conditions and no experimental evidence demonstrating its impact on protein function have been reported. No submitters have cited clinical-significance assessments for this variant to ClinVar. Based on the evidence outlined above, the variant was classified as uncertain significance.